The following is an entry in ClinVar:

NM_004076.5(CRYBB3):c.467G>A (p.Gly156Glu)

Gene: CRYBB3 (crystallin beta B3; plus strand). Cytogenetic location: 22q11.23.
Variant type: single nucleotide variant.
Coding change: c.467G>A on transcript NM_004076.5 (MANE Select); coding-DNA position 467, G replaced by A.
Protein change: p.Gly156Glu; replaces glycine 156 with glutamic acid.
Molecular consequence: missense variant.
Genome position (GRCh38, 1-based): chr22:25,205,359, G>A. VCF-style: chr22-25205359-G-A. GRCh37 (hg19) VCF-style: chr22-25601326-G-A.
Other names: short protein forms G156E.
Identifiers: ClinVar variation 1704644 (VCV001704644.3), dbSNP rs1432148373, ClinGen allele CA410985488.

ClinVar aggregate classification (germline): Pathogenic (1 of 4 stars; one submission).

Conditions:
Microphthalmia. Also called: Microphthalmos. Identifiers: MedGen C0026010, MONDO:0021129, HP:0000568.
Cataract. Also called: Cataract (disease); cataracts. Identifiers: MedGen C0086543, MeSH D002386, MONDO:0005129, HP:0000518.

Submission:

Laboratório de Alta Complexidade, Instituto Fernandes Figueira - FIOCRUZ
Classification: Pathogenic for Cataract; Microphthalmia. Last evaluated: 2022-08-23. Review status: criteria provided, single submitter. Criteria: ACMG Guidelines, 2015. Collection method: research. Allele origin: paternal. Inheritance: Autosomal dominant inheritance. Affected: yes. Observed: 1 heterozygote.
Comment: Ultrasonography showed no alterations other than lens opacification and a reduced axial length. A diagnosis of bilateral microphthalmia and congenital cataracts was made and lensectomy with anterior vitrectomy was performed on both eyes. At examination, the father was microphthalmic, with nystagmus and aphakic bilaterally. Genes 2021, 12(7), 1069; DOI 10.3390/genes12071069

Literature cited by the submitters: DOI 10.3390/genes12071069.